The following is an entry in ClinVar:

NM_001011.4(RPS7):c.356G>A (p.Ser119Asn)

Gene: RPS7 (ribosomal protein S7; plus strand). Cytogenetic location: 2p25.3.
Variant type: single nucleotide variant.
Coding change: c.356G>A on transcript NM_001011.4 (MANE Select); coding-DNA position 356, G replaced by A.
Protein change: p.Ser119Asn; replaces serine 119 with asparagine.
Molecular consequence: missense variant.
Genome position (GRCh38, 1-based): chr2:3,577,774, G>A. VCF-style: chr2-3577774-G-A. GRCh37 (hg19) VCF-style: chr2-3625364-G-A.
Other names: short protein forms S119N.
Identifiers: ClinVar variation 3666770 (VCV003666770.2).

ClinVar aggregate classification (germline): Uncertain significance (1 of 4 stars; one submission).

Conditions:
Diamond-Blackfan anemia 8 (DBA8). Also called: RPS7-Related Diamond-Blackfan Anemia. Identifiers: Orphanet 124, MedGen C2675511, MONDO:0012939, OMIM 612563.

Submission:

Labcorp Genetics (formerly Invitae), Labcorp
Classification: Uncertain significance for Diamond-Blackfan anemia 8. Last evaluated: 2024-03-01. Review status: criteria provided, single submitter. Criteria: Invitae Variant Classification Sherloc (09022015). Collection method: clinical testing. Allele origin: germline.
Comment: This sequence change replaces serine, which is neutral and polar, with asparagine, which is neutral and polar, at codon 119 of the RPS7 protein (p.Ser119Asn). This variant also falls at the last nucleotide of exon 5, which is part of the consensus splice site for this exon. This variant is present in population databases (rs770440343, gnomAD 0.006%). This variant has not been reported in the literature in individuals affected with RPS7-related conditions. An algorithm developed to predict the effect of missense changes on protein structure and function (PolyPhen-2) suggests that this variant is likely to be tolerated. Variants that disrupt the consensus splice site are a relatively common cause of aberrant splicing (PMID: 17576681, 9536098). In summary, the available evidence is currently insufficient to determine the role of this variant in disease. Therefore, it has been classified as a Variant of Uncertain Significance.

Literature cited by the submitters: PubMed 17576681; PubMed 9536098.